The following is an entry in ClinVar:

ClinVar aggregate classification (germline): Likely benign. Review status: criteria provided, multiple submitters, no conflicts (2 of 4 stars). 2 submissions from 2 submitters: Likely benign (2). Last evaluated 2025-08-29.

Conditions:
Intellectual developmental disorder, autosomal dominant 6, with or without seizures. Also called: Intellectual disability, autosomal dominant 6; GRIN2B-related developmental delay, intellectual disability and autism spectrum disorder. Identifiers: Orphanet 589547, MedGen C3151411, MONDO:0013509, OMIM 613970.
Developmental and epileptic encephalopathy, 27 (DEE27). Also called: GRIN2B-Related Neurodevelopmental Disorder; Epileptic encephalopathy, early infantile, 27. Identifiers: Orphanet 3451, MedGen C4015316, MONDO:0014505, OMIM 616139.

Allele frequency attached by ClinVar (database versions not stated): gnomAD 0.00005 and 0.00007; gnomAD exomes 0.00009 and 0.00005; ESP Exome Variant Server 0.00015; 1000 Genomes Project 30x 0.00016; 1000 Genomes Project 0.00020; ExAC 0.00007; TOPMed 0.00009.
gnomAD v4.1: 143 of 1,612,088 alleles (0.0089%); highest among the groups gnomAD compares: Non-Finnish European, 0.0099%; no homozygotes.

Submissions (2):

Labcorp Genetics (formerly Invitae), Labcorp
Classification: Likely benign for Developmental and epileptic encephalopathy, 27; Intellectual developmental disorder, autosomal dominant 6, with or without seizures. Last evaluated: 2025-08-29. Review status: criteria provided, single submitter. Criteria: Invitae Variant Classification Sherloc (09022015). Collection method: clinical testing. Allele origin: germline.

GeneDx
Classification: Likely benign. Last evaluated: 2018-05-02. Review status: criteria provided, single submitter. Criteria: GeneDx Variant Classification (06012015). Collection method: clinical testing. Allele origin: germline. Affected: yes.
Comment: This variant is considered likely benign or benign based on one or more of the following criteria: it is a conservative change, it occurs at a poorly conserved position in the protein, it is predicted to be benign by multiple in silico algorithms, and/or has population frequency not consistent with disease.

NM_000834.5(GRIN2B):c.1780+19G>A

Gene: GRIN2B (glutamate ionotropic receptor NMDA type subunit 2B; minus strand). Cytogenetic location: 12p13.1.
Variant type: single nucleotide variant.
Coding change: c.1780+19G>A on transcript NM_000834.5 (MANE Select); 19 bases into the intron after coding-DNA position 1780, G replaced by A.
Molecular consequence: intron variant.
Genome position (GRCh38, 1-based): chr12:13,611,706, C>T on the plus strand (G>A on the coding strand, the complement: GRIN2B is on the minus strand). VCF-style: chr12-13611706-C-T. GRCh37 (hg19) VCF-style: chr12-13764640-C-T.
Identifiers: ClinVar variation 682603 (VCV000682603.9), dbSNP rs201169461, ClinGen allele CA6461179.
Genomic context (GRCh38, chr12:13,611,706, plus strand): 5'-GATAACAAATGAGGAGTCCAGAGATTTGAAAATAAGGAGAAAAAAACTGGGGAAGTGCAG[C>T]GGTTCCAGCCGGCCTTACCTCTGCCATCAGCGAGGCACCTGTTATAACCCACAGGGCTGA-3'